The following is an entry in ClinVar:

NM_000064.4(C3):c.965A>G (p.Lys322Arg)

Gene: C3 (complement C3; minus strand). Cytogenetic location: 19p13.3.
Variant type: single nucleotide variant.
Coding change: c.965A>G on transcript NM_000064.4 (MANE Select); coding-DNA position 965, A replaced by G.
Protein change: p.Lys322Arg; replaces lysine 322 with arginine.
Molecular consequence: missense variant.
Genome position (GRCh38, 1-based): chr19:6,713,227, T>C on the plus strand (A>G on the coding strand, the complement: C3 is on the minus strand). VCF-style: chr19-6713227-T-C. GRCh37 (hg19) VCF-style: chr19-6713238-T-C.
Other names: short protein forms K322R.
Identifiers: ClinVar variation 1163119 (VCV001163119.8), dbSNP rs746892541, ClinGen allele CA403642122.

ClinVar aggregate classification (germline): Uncertain significance. Review status: criteria provided, multiple submitters, no conflicts (2 of 4 stars). 3 submissions from 3 submitters: Uncertain significance (3). Last evaluated 2024-05-22.

Conditions:
Age related macular degeneration 9. Identifiers: MedGen C1969651, MONDO:0012659, OMIM 611378.
Atypical hemolytic-uremic syndrome with C3 anomaly. Also called: AHUS, SUSCEPTIBILITY TO, 5. Identifiers: Orphanet 2134, MedGen C2752037, MONDO:0013043, OMIM 612925.
Complement component 3 deficiency. Identifiers: Orphanet 280133, MedGen C3151071, MONDO:0013417, OMIM 613779.

gnomAD v4.1: 43 of 1,613,564 alleles (0.0027%); highest among the groups gnomAD compares: Non-Finnish European, 0.0036%; no homozygotes.

Submissions (3):

Labcorp Genetics (formerly Invitae), Labcorp
Classification: Uncertain significance. Last evaluated: 2024-05-22. Review status: criteria provided, single submitter. Criteria: Invitae Variant Classification Sherloc (09022015). Collection method: clinical testing. Allele origin: germline.
Comment: This sequence change replaces lysine, which is basic and polar, with arginine, which is basic and polar, at codon 322 of the C3 protein (p.Lys322Arg). This variant is present in population databases (no rsID available, gnomAD 0.003%). This variant has not been reported in the literature in individuals affected with C3-related conditions. ClinVar contains an entry for this variant (Variation ID: 1163119). Advanced modeling of protein sequence and biophysical properties (such as structural, functional, and spatial information, amino acid conservation, physicochemical variation, residue mobility, and thermodynamic stability) performed at Invitae indicates that this missense variant is not expected to disrupt C3 protein function with a negative predictive value of 80%. In summary, the available evidence is currently insufficient to determine the role of this variant in disease. Therefore, it has been classified as a Variant of Uncertain Significance.

Fulgent Genetics
Classification: Uncertain significance for Age related macular degeneration 9; Atypical hemolytic-uremic syndrome with C3 anomaly; Complement component 3 deficiency. Last evaluated: 2022-03-09. Review status: criteria provided, single submitter. Criteria: ACMG Guidelines, 2015. Collection method: clinical testing. Allele origin: unknown.

Mayo Clinic Laboratories, Mayo Clinic
Classification: Uncertain significance. Last evaluated: 2020-05-20. Review status: criteria provided, single submitter. Criteria: ACMG Guidelines, 2015. Collection method: clinical testing. Allele origin: germline. Observed: 1 variant allele.